The following is an entry in ClinVar:

ClinVar aggregate classification (germline): Uncertain significance. Review status: criteria provided, multiple submitters, no conflicts (2 of 4 stars). 2 submissions from 2 submitters: Uncertain significance (2). Last evaluated 2024-05-24.

Allele frequency attached by ClinVar (database versions not stated): gnomAD 0.00001; ExAC 0.00008; 1000 Genomes Project 30x 0.00016; 1000 Genomes Project 0.00020.
gnomAD v4.1: 25 of 1,607,386 alleles (0.0016%); highest among the groups gnomAD compares: South Asian, 0.028%; no homozygotes.

Submissions (2):

Ambry Genetics
Classification: Uncertain significance. Last evaluated: 2024-05-24. Review status: criteria provided, single submitter. Criteria: Ambry Variant Classification Scheme 2023. Collection method: clinical testing. Allele origin: germline.
Comment: The p.Q174H variant (also known as c.522G>T), located in coding exon 1 of the TERF2IP gene, results from a G to T substitution at nucleotide position 522. The glutamine at codon 174 is replaced by histidine, an amino acid with highly similar properties. This amino acid position is conserved. In addition, this alteration is predicted to be tolerated by in silico analysis. Since supporting evidence is limited at this time, the clinical significance of this alteration remains unclear.

Labcorp Genetics (formerly Invitae), Labcorp
Classification: Uncertain significance. Last evaluated: 2022-05-29. Review status: criteria provided, single submitter. Criteria: Invitae Variant Classification Sherloc (09022015). Collection method: clinical testing. Allele origin: germline.
Comment: In summary, the available evidence is currently insufficient to determine the role of this variant in disease. Therefore, it has been classified as a Variant of Uncertain Significance. Algorithms developed to predict the effect of missense changes on protein structure and function are either unavailable or do not agree on the potential impact of this missense change (SIFT: "Tolerated"; PolyPhen-2: "Possibly Damaging"; Align-GVGD: "Class C0"). This variant has not been reported in the literature in individuals affected with TERF2IP-related conditions. This variant is present in population databases (rs541805876, gnomAD 0.03%). This sequence change replaces glutamine, which is neutral and polar, with histidine, which is basic and polar, at codon 174 of the TERF2IP protein (p.Gln174His).

NM_018975.4(TERF2IP):c.522G>T (p.Gln174His)

Gene: TERF2IP (TERF2 interacting protein; plus strand). Cytogenetic location: 16q23.1.
Variant type: single nucleotide variant.
Coding change: c.522G>T on transcript NM_018975.4 (MANE Select); coding-DNA position 522, G replaced by T.
Protein change: p.Gln174His; replaces glutamine 174 with histidine.
Molecular consequence: missense variant. On other transcripts: non-coding transcript variant (1).
Genome position (GRCh38, 1-based): chr16:75,648,404, G>T. VCF-style: chr16-75648404-G-T. GRCh37 (hg19) VCF-style: chr16-75682302-G-T.
Other names: short protein forms Q174H.
Identifiers: ClinVar variation 1746224 (VCV001746224.8), dbSNP rs541805876, ClinGen allele CA8178009.